The following is an entry in ClinVar:

ClinVar aggregate classification (germline): Benign/Likely benign. Review status: criteria provided, multiple submitters, no conflicts (2 of 4 stars). 9 submissions from 9 submitters: Benign (1); Likely benign (5). 3 of the submissions do not count toward it. Last evaluated 2026-01-15.

Conditions:
Monogenic diabetes. Identifiers: Orphanet 183625, MedGen C3888631, MONDO:0015967.
GLIS3-related disorder. Also called: GLIS3-related condition.
Neonatal diabetes mellitus with congenital hypothyroidism. Also called: NDH SYNDROME. Identifiers: Orphanet 79118, MedGen C1857775, MONDO:0012436, OMIM 610199.

Allele frequency attached by ClinVar (database versions not stated): gnomAD exomes 0.00153 and 0.00198; gnomAD 0.00165 and 0.00170; TOPMed 0.00191; 1000 Genomes Project 30x 0.00203; 1000 Genomes Project 0.00220; ExAC 0.00253.
gnomAD v4.1: 3,144 of 1,601,170 alleles (0.2%); highest among the groups gnomAD compares: Middle Eastern, 0.25%; 7 homozygotes.

Submissions (9):

Labcorp Genetics (formerly Invitae), Labcorp
Classification: Benign. Last evaluated: 2026-01-15. Review status: criteria provided, single submitter. Criteria: Invitae Variant Classification Sherloc (09022015). Collection method: clinical testing. Allele origin: germline.

CeGaT Center for Human Genetics Tuebingen
Classification: Likely benign. Last evaluated: 2025-07-01. Review status: criteria provided, single submitter. Criteria: CeGaT Center For Human Genetics Tuebingen Variant Classification Criteria Version 2. Collection method: clinical testing. Allele origin: germline. Affected: yes. Observed: 6 variant alleles.
Comment: GLIS3: BP4, BS2

Blueprint Genetics
Classification: Likely benign. Last evaluated: 2024-11-25. Review status: criteria provided, single submitter. Criteria: ACMG Guidelines, 2015. Collection method: clinical testing. Allele origin: germline.

Personalized Diabetes Medicine Program, University of Maryland School of Medicine
Classification: Likely benign for Monogenic diabetes. Last evaluated: 2019-02-22. Review status: criteria provided, single submitter. Criteria: ACMG Guidelines, 2015. Collection method: research. Allele origin: unknown. Observed: 1 variant allele, 1 heterozygote.
Comment: ACMG criteria: BP4 (REVEL 0.068 + 9 predictors), BS2 (2 homozygotes in gnomAD)= likely benign

Illumina Laboratory Services, Illumina
Classification: Likely benign for Neonatal diabetes mellitus with congenital hypothyroidism. Last evaluated: 2018-01-13. Review status: criteria provided, single submitter. Criteria: ICSL Variant Classification Criteria 13 December 2019. Collection method: clinical testing. Allele origin: germline.
Comment: This variant was observed in the ICSL laboratory as part of a predisposition screen in an ostensibly healthy population. It had not been previously curated by ICSL or reported in the Human Gene Mutation Database (HGMD: prior to June 1st, 2018), and was therefore a candidate for classification through an automated scoring system. Utilizing variant allele frequency, disease prevalence and penetrance estimates, and inheritance mode, an automated score was calculated to assess if this variant is too frequent to cause the disease. Based on the score and internal cut-off values, a variant classified as likely benign is not then subjected to further curation. The score for this variant resulted in a classification of likely benign for this disease.

Breakthrough Genomics
Classification: Likely benign. Review status: criteria provided, single submitter. Criteria: ACMG Guidelines, 2015. Collection method: not provided. Allele origin: germline. Inheritance: Autosomal recessive inheritance. Affected: yes.

PreventionGenetics, part of Exact Sciences
Classification: Likely benign for GLIS3-related condition. Last evaluated: 2024-03-15. Review status: no assertion criteria provided. Collection method: clinical testing. Allele origin: germline. Not counted in ClinVar's aggregate classification.
Comment: This variant is classified as likely benign based on ACMG/AMP sequence variant interpretation guidelines (Richards et al. 2015 PMID: 25741868, with internal and published modifications).

Clinical Genetics, Academic Medical Center
Classification: Likely benign. Review status: no assertion criteria provided. Collection method: clinical testing. Allele origin: germline. Affected: yes. Study: VKGL Data-share Consensus. Not counted in ClinVar's aggregate classification.

Laboratory of Diagnostic Genome Analysis, Leiden University Medical Center (LUMC)
Classification: Likely benign. Review status: no assertion criteria provided. Collection method: clinical testing. Allele origin: germline. Affected: yes. Study: VKGL Data-share Consensus. Not counted in ClinVar's aggregate classification.

NM_001042413.2(GLIS3):c.1090C>T (p.Pro364Ser)

Gene: GLIS3 (GLIS family zinc finger 3; minus strand). Cytogenetic location: 9p24.2.
Variant type: single nucleotide variant.
Coding change: c.1090C>T on transcript NM_001042413.2 (MANE Select); coding-DNA position 1090, C replaced by T.
Protein change: p.Pro364Ser; replaces proline 364 with serine.
Molecular consequence: missense variant.
Genome position (GRCh38, 1-based): chr9:4,118,388, G>A on the plus strand (C>T on the coding strand, the complement: GLIS3 is on the minus strand). VCF-style: chr9-4118388-G-A. GRCh37 (hg19) VCF-style: chr9-4118388-G-A.
Other names: c.625C>T, p.Pro209Ser (NM_152629.4); short protein forms P364S, P209S.
Identifiers: ClinVar variation 366985 (VCV000366985.45), dbSNP rs143056249, ClinGen allele CA4968310.